The following is an entry in ClinVar:

ClinVar aggregate classification (germline): Pathogenic (1 of 4 stars; one submission).

Conditions:
Familial hypercholesterolemia. Also called: Familial hypercholesterolemias; Familial hypercholesterolaemia. Identifiers: MedGen C0020445, MONDO:0005439.

Submission:

Women's Health and Genetics/Laboratory Corporation of America, LabCorp
Classification: Pathogenic for Familial hypercholesterolemia. Last evaluated: 2026-02-23. Review status: criteria provided, single submitter. Criteria: LabCorp Variant Classification Summary - May 2015. Collection method: clinical testing. Allele origin: germline.
Comment: Variant summary: LDLRAP1 c.19delG (p.Ala7ArgfsX5) results in a premature termination codon, predicted to cause a truncation of the encoded protein or absence of the protein due to nonsense mediated decay, which are commonly known mechanisms for disease. The frequency data for this variant in gnomAD is considered unreliable, as metrics indicate poor data quality at this position. To our knowledge, no occurrence of c.19delG in individuals affected with LDLRAP1-related conditions and no experimental evidence demonstrating its impact on protein function have been reported. No submitters have cited clinical-significance assessments for this variant to ClinVar. Based on the evidence outlined above, the variant was classified as pathogenic.

NM_015627.3(LDLRAP1):c.19del (p.Ala7fs)

Genes: LDLRAP1 (low density lipoprotein receptor adaptor protein 1; plus strand), LOC129929773 (ATAC-STARR-seq lymphoblastoid silent region 456; plus strand). Cytogenetic location: 1p36.11.
Variant type: Deletion.
Coding change: c.19del on transcript NM_015627.3 (MANE Select); coding-DNA position 19, one base deleted (G; older notation c.19delG).
Protein change: p.Ala7fs; shifts the reading frame from alanine 7.
Molecular consequence: frameshift variant.
Genome position (GRCh38, 1-based): chr1:25,543,717, G deleted; the last of 2 consecutive G bases (chr1:25,543,716-25,543,717); deleting either gives the same sequence. VCF-style (leftmost placement, unchanged base first): chr1-25543715-CG-C. GRCh37 (hg19) VCF-style: chr1-25870206-CG-C.
Other names: c.19delG (NM_015627.3); short protein forms A7fs.
Identifiers: ClinVar variation 4848184 (VCV004848184.1).